The following is an entry in ClinVar:

ClinVar aggregate classification (germline): Likely benign (1 of 4 stars; one submission).

Conditions:
Congenital stationary night blindness 1A (CSNB1A). Also called: CSNB, COMPLETE, X-LINKED; HEMERALOPIA-MYOPIA; MYOPIA-NIGHT BLINDNESS; NIGHT BLINDNESS, CONGENITAL STATIONARY, WITH MYOPIA; NYX-Related X-Linked Congenital Stationary Night Blindness; Night blindness, congenital stationary (complete), 1A, X-linked. Identifiers: Orphanet 215, MedGen C3495587, MONDO:0010690, OMIM 310500.

Allele frequency attached by ClinVar (database versions not stated): gnomAD exomes 0.00031; 1000 Genomes Project 0.00238; 1000 Genomes Project 30x 0.00250; gnomAD 0.00270 and 0.00277; TOPMed 0.00280.

Submission:

Illumina Laboratory Services, Illumina
Classification: Likely benign for Congenital stationary night blindness 1A. Last evaluated: 2018-01-13. Review status: criteria provided, single submitter. Criteria: ICSL Variant Classification Criteria 13 December 2019. Collection method: clinical testing. Allele origin: germline.
Comment: This variant was observed in the ICSL laboratory as part of a predisposition screen in an ostensibly healthy population. It had not been previously curated by ICSL or reported in the Human Gene Mutation Database (HGMD: prior to June 1st, 2018), and was therefore a candidate for classification through an automated scoring system. Utilizing variant allele frequency, disease prevalence and penetrance estimates, and inheritance mode, an automated score was calculated to assess if this variant is too frequent to cause the disease. Based on the score and internal cut-off values, a variant classified as likely benign is not then subjected to further curation. The score for this variant resulted in a classification of likely benign for this disease.

NM_001378477.3(NYX):c.*152A>G

Gene: NYX (nyctalopin; plus strand). Cytogenetic location: Xp11.4.
Variant type: single nucleotide variant.
Coding change: c.*152A>G on transcript NM_001378477.3 (MANE Select); 152 bases downstream of the stop codon, A replaced by G.
Molecular consequence: 3 prime UTR variant.
Genome position (GRCh38, 1-based): chrX:41,475,051, A>G. VCF-style: chrX-41475051-A-G. GRCh37 (hg19) VCF-style: chrX-41334304-A-G.
Other names: c.*152A>G (NM_022567.3).
Identifiers: ClinVar variation 913805 (VCV000913805.4), dbSNP rs370733549, ClinGen allele CA329217109.
Genomic context (GRCh38, chrX:41,475,051, plus strand): 5'-CCCAGTGGAGGGTGGAAGGAACCGTTTGCCTCCAGAGATGGCCCCAGGGAGAACACAGGG[A>G]CGTGCCACTCGAGGGGGAGGATGGTATGGATTTCTGCTTTTGTCACACGGGCATCCATTG-3'